The following is an entry in ClinVar:

NM_004006.3(DMD):c.6409G>T (p.Glu2137Ter)

Gene: DMD (dystrophin; minus strand). Cytogenetic location: Xp21.1.
Variant type: single nucleotide variant.
Coding change: c.6409G>T on transcript NM_004006.3 (MANE Select); coding-DNA position 6409, G replaced by T.
Protein change: p.Glu2137Ter; replaces glutamic acid 2137 with a stop codon.
Molecular consequence: nonsense.
Genome position (GRCh38, 1-based): chrX:32,216,945, C>A on the plus strand (G>T on the coding strand, the complement: DMD is on the minus strand). VCF-style: chrX-32216945-C-A. GRCh37 (hg19) VCF-style: chrX-32235062-C-A.
Other names: c.6385G>T, p.Glu2129Ter (NM_000109.4); c.6397G>T, p.Glu2133Ter (NM_004009.3); c.6040G>T, p.Glu2014Ter (NM_004010.3); c.2386G>T, p.Glu796Ter (NM_004011.4); c.2377G>T, p.Glu793Ter (NM_004012.4); short protein forms E2137*, E793*, E2014*, E2129*, E2133*, E796*.
Identifiers: ClinVar variation 3727399 (VCV003727399.2).
Genomic context (GRCh38, chrX:32,216,945, plus strand): 5'-ACAATTTCGAAAAAACAAATCAAAGACTTACCTTAAGATACCATTTGTATTTAGCATGTT[C>A]CCAATTCTCAGGAATTTGTGTCTTTCTGAGAAACTGTTCAGCTTCTGTTAGCCACTGATT-3'

ClinVar aggregate classification (germline): Pathogenic (1 of 4 stars; one submission).

Conditions:
Duchenne muscular dystrophy (DMD). Also called: Duchenne Muscular Dystrophy (DMD); MUSCULAR DYSTROPHY, PSEUDOHYPERTROPHIC PROGRESSIVE, DUCHENNE TYPE. Identifiers: Orphanet 98896, MedGen C0013264, MONDO:0010679, OMIM 310200.

Submission:

Labcorp Genetics (formerly Invitae), Labcorp
Classification: Pathogenic for Duchenne muscular dystrophy. Last evaluated: 2024-12-16. Review status: criteria provided, single submitter. Criteria: Invitae Variant Classification Sherloc (09022015). Collection method: clinical testing. Allele origin: germline.
Comment: This sequence change creates a premature translational stop signal (p.Glu2137*) in the DMD gene. It is expected to result in an absent or disrupted protein product. Loss-of-function variants in DMD are known to be pathogenic (PMID: 16770791, 25007885). This variant is not present in population databases (gnomAD no frequency). This variant has not been reported in the literature in individuals affected with DMD-related conditions. For these reasons, this variant has been classified as Pathogenic.

Literature cited by the submitters: PubMed 16770791; PubMed 25007885.